The following is an entry in ClinVar:

ClinVar aggregate classification (germline): Uncertain significance. Review status: criteria provided, multiple submitters, no conflicts (2 of 4 stars). 2 submissions from 2 submitters: Uncertain significance (2). Last evaluated 2025-12-17.

Conditions:
Inborn genetic diseases. Identifiers: MedGen C0950123, MeSH D030342.
LRTOMT-related disorder. Also called: LRTOMT-related condition.

Allele frequency attached by ClinVar (database versions not stated): gnomAD exomes 0.00001; TOPMed 0.00002; gnomAD 0.00001.
gnomAD v4.1: 10 of 1,551,060 alleles (0.00064%); highest among the groups gnomAD compares: Admixed American, 0.014%; no homozygotes.

Submissions (2):

PreventionGenetics, part of Exact Sciences
Classification: Uncertain significance for LRTOMT-related condition. Last evaluated: 2025-12-17. Review status: criteria provided, single submitter. Criteria: ACMG Guidelines, 2015. Collection method: clinical testing. Allele origin: germline.
Comment: The LRTOMT c.484G>A variant is predicted to result in the amino acid substitution p.Val162Met. To our knowledge, this variant has not been reported in the literature. This variant is reported in 0.028% of alleles in individuals of Latino descent in gnomAD. At this time, the clinical significance of this variant is uncertain due to the absence of conclusive functional and genetic evidence.

Ambry Genetics
Classification: Uncertain significance for Inborn genetic diseases. Last evaluated: 2025-07-29. Review status: criteria provided, single submitter. Criteria: Ambry Variant Classification Scheme 2023. Collection method: clinical testing. Allele origin: germline.
Comment: The c.484G>A (p.V162M) alteration is located in exon 6 (coding exon 4) of the LRTOMT gene. This alteration results from a G to A substitution at nucleotide position 484, causing the valine (V) at amino acid position 162 to be replaced by a methionine (M). Based on data from gnomAD, the A allele has an overall frequency of 0.004% (8/186856) total alleles studied. The highest observed frequency was 0.028% (7/25446) of Latino alleles. This amino acid position is not well conserved in available vertebrate species. This alteration is predicted to be tolerated by in silico analysis. Based on insufficient or conflicting evidence, the clinical significance of this alteration remains unclear.

NM_001145308.5(LRTOMT):c.484G>A (p.Val162Met)

Genes: ANAPC15 (anaphase promoting complex subunit 15; minus strand), LRTOMT (leucine rich transmembrane and O-methyltransferase domain containing; plus strand), TOMT (transmembrane O-methyltransferase; plus strand). Cytogenetic location: 11q13.4.
Variant type: single nucleotide variant.
Coding change: c.484G>A on transcript NM_001145308.5; coding-DNA position 484, G replaced by A.
Protein change: p.Val162Met; replaces valine 162 with methionine.
Molecular consequence: missense variant. On other transcripts: 3 prime UTR variant (3), non-coding transcript variant (1), intron variant (7).
Genome position (GRCh38, 1-based): chr11:72,108,048, G>A. VCF-style: chr11-72108048-G-A. GRCh37 (hg19) VCF-style: chr11-71819094-G-A.
Other names: c.385G>A, p.Val129Met (NM_001393500.2); c.484G>A, p.Val162Met (NM_001145309.4); c.364G>A, p.Val122Met (NM_001145310.4); c.*771C>T (NM_001393443.1, NM_001393444.1, NM_001393445.1); c.64-443C>T (NM_001393459.1); c.319-443C>T (NM_001393430.1, NM_001393429.1, NM_001393428.1 and 3 more transcripts); short protein forms V122M, V162M, V129M.
Identifiers: ClinVar variation 3121252 (VCV003121252.3), dbSNP rs771779785, ClinGen allele CA224375293.